The following is an entry in ClinVar:

ClinVar aggregate classification (germline): Uncertain significance (1 of 4 stars; one submission).

Submission:

Ambry Genetics
Classification: Uncertain significance. Last evaluated: 2021-09-13. Review status: criteria provided, single submitter. Criteria: Ambry Variant Classification Scheme 2023. Collection method: clinical testing. Allele origin: germline.
Comment: The p.E1910G variant (also known as c.5729A>G), located in coding exon 42 of the PRKDC gene, results from an A to G substitution at nucleotide position 5729. The glutamic acid at codon 1910 is replaced by glycine, an amino acid with similar properties. This amino acid position is conserved. Since supporting evidence is limited at this time, the clinical significance of this alteration remains unclear.

NM_006904.7(PRKDC):c.5729A>G (p.Glu1910Gly)

Gene: PRKDC (protein kinase, DNA-activated, catalytic subunit; minus strand). Cytogenetic location: 8q11.21.
Variant type: single nucleotide variant.
Coding change: c.5729A>G on transcript NM_006904.7 (MANE Select); coding-DNA position 5729, A replaced by G.
Protein change: p.Glu1910Gly; replaces glutamic acid 1910 with glycine.
Molecular consequence: missense variant.
Genome position (GRCh38, 1-based): chr8:47,863,420, T>C on the plus strand (A>G on the coding strand, the complement: PRKDC is on the minus strand). VCF-style: chr8-47863420-T-C. GRCh37 (hg19) VCF-style: chr8-48775981-T-C.
Other names: c.5729A>G, p.Glu1910Gly (NM_001081640.2); short protein forms E1910G.
Identifiers: ClinVar variation 1749311 (VCV001749311.2), dbSNP rs2551870830, ClinGen allele CA371162822.